The following is an entry in ClinVar:

NM_003970.4(MYOM2):c.876C>T (p.Gly292=)

Gene: MYOM2 (myomesin 2; plus strand). Cytogenetic location: 8p23.3.
Variant type: single nucleotide variant.
Coding change: c.876C>T on transcript NM_003970.4 (MANE Select); coding-DNA position 876, C replaced by T.
Protein change: p.Gly292=; no amino-acid change (glycine 292 retained).
Molecular consequence: synonymous variant.
Genome position (GRCh38, 1-based): chr8:2,072,427, C>T. VCF-style: chr8-2072427-C-T. GRCh37 (hg19) VCF-style: chr8-2020507-C-T.
Identifiers: ClinVar variation 3043288 (VCV003043288.2), dbSNP rs371192020, ClinGen allele CA170447808.

ClinVar aggregate classification (germline): Benign (0 of 4 stars; one submission).

Conditions:
MYOM2-related disorder. Also called: MYOM2-related condition.

Allele frequency attached by ClinVar (database versions not stated): TOPMed 0.00011; gnomAD 0.00082; gnomAD exomes 0.00135; ExAC 0.00311; 1000 Genomes Project 30x 0.00547; 1000 Genomes Project 0.00559.
gnomAD v4.1: 2,104 of 1,614,130 alleles (0.13%); highest among the groups gnomAD compares: South Asian, 2.1%; 39 homozygotes.

Submission:

PreventionGenetics, part of Exact Sciences
Classification: Benign for MYOM2-related condition. Last evaluated: 2019-07-01. Review status: no assertion criteria provided. Collection method: clinical testing. Allele origin: germline.
Comment: This variant is classified as benign based on ACMG/AMP sequence variant interpretation guidelines (Richards et al. 2015 PMID: 25741868, with internal and published modifications).